The following is an entry in ClinVar:

NM_004937.3(CTNS):c.652A>G (p.Ile218Val)

Genes: CTNS (cystinosin, lysosomal cystine transporter; plus strand), CTNS-AS1 (CTNS antisense RNA 1; minus strand). Cytogenetic location: 17p13.2.
Variant type: single nucleotide variant.
Coding change: c.652A>G on transcript NM_004937.3 (MANE Select); coding-DNA position 652, A replaced by G.
Protein change: p.Ile218Val; replaces isoleucine 218 with valine.
Molecular consequence: missense variant.
Genome position (GRCh38, 1-based): chr17:3,656,766, A>G. VCF-style: chr17-3656766-A-G. GRCh37 (hg19) VCF-style: chr17-3560060-A-G.
Other names: c.652A>G, p.Ile218Val (NM_001031681.3, NM_001374492.1); c.211A>G, p.Ile71Val (NM_001374493.1, NM_001374494.1, NM_001374495.1 and 1 more transcripts); short protein forms I218V, I71V.
Identifiers: ClinVar variation 4783118 (VCV004783118.1).

ClinVar aggregate classification (germline): Uncertain significance (1 of 4 stars; one submission).

Conditions:
Inborn genetic diseases. Identifiers: MedGen C0950123, MeSH D030342.
Ocular cystinosis. Also called: Non-Nephropathic Cystinosis; Non-Nephropathic (Ocular) Cystinosis. Identifiers: Orphanet 213, Orphanet 411641, MedGen C2931013, MONDO:0009064, OMIM 219750.
Juvenile nephropathic cystinosis. Also called: Intermediate Cystinosis; CYSTINOSIS, LATE-ONSET JUVENILE OR ADOLESCENT NEPHROPATHIC TYPE; Later-Onset (Juvenile) Cystinosis. Identifiers: Orphanet 213, Orphanet 411634, MedGen C0268626, MONDO:0009066, OMIM 219900.

Submission:

Labcorp Genetics (formerly Invitae), Labcorp
Classification: Uncertain significance for Inborn genetic diseases; Ocular cystinosis; Juvenile nephropathic cystinosis. Last evaluated: 2025-10-04. Review status: criteria provided, single submitter. Criteria: Invitae Variant Classification Sherloc (09022015). Collection method: clinical testing. Allele origin: germline.
Comment: This sequence change replaces isoleucine, which is neutral and non-polar, with valine, which is neutral and non-polar, at codon 218 of the CTNS protein (p.Ile218Val). This variant is not present in population databases (gnomAD no frequency). This variant has not been reported in the literature in individuals affected with CTNS-related conditions. Invitae Evidence Modeling of protein sequence and biophysical properties (such as structural, functional, and spatial information, amino acid conservation, physicochemical variation, residue mobility, and thermodynamic stability) indicates that this missense variant is not expected to disrupt CTNS protein function with a negative predictive value of 80%. In summary, the available evidence is currently insufficient to determine the role of this variant in disease. Therefore, it has been classified as a Variant of Uncertain Significance.